The following is an entry in ClinVar:

NM_032043.3(BRIP1):c.2524C>G (p.Leu842Val)

Gene: BRIP1 (BRCA1 interacting DNA helicase 1; minus strand). Cytogenetic location: 17q23.2.
Variant type: single nucleotide variant.
Coding change: c.2524C>G on transcript NM_032043.3 (MANE Select); coding-DNA position 2524, C replaced by G.
Protein change: p.Leu842Val; replaces leucine 842 with valine.
Molecular consequence: missense variant.
Genome position (GRCh38, 1-based): chr17:61,693,481, G>C on the plus strand (C>G on the coding strand, the complement: BRIP1 is on the minus strand). VCF-style: chr17-61693481-G-C. GRCh37 (hg19) VCF-style: chr17-59770842-G-C.
Other names: short protein forms L842V.
Identifiers: ClinVar variation 232847 (VCV000232847.15), dbSNP rs786201802, ClinGen allele CA10580798.

ClinVar aggregate classification (germline): Uncertain significance. Review status: criteria provided, multiple submitters, no conflicts (2 of 4 stars). 2 submissions from 2 submitters: Uncertain significance (2). Last evaluated 2024-09-26.

Conditions:
Hereditary cancer-predisposing syndrome. Also called: Hereditary Cancer Syndrome; Neoplastic Syndromes, Hereditary; Tumor predisposition; Hereditary neoplastic syndrome. Identifiers: Orphanet 140162, MedGen C0027672, MeSH D009386, MONDO:0015356.
Fanconi anemia complementation group J. Also called: BRIP1-Related Fanconi Anemia. Identifiers: Orphanet 84, MedGen C1836860, MONDO:0012187, OMIM 609054.
Familial cancer of breast. Also called: Hereditary breast cancer; hereditary breast carcinoma; BREAST CANCER, FAMILIAL. Identifiers: Orphanet 227535, MedGen C0346153, MONDO:0016419, OMIM 114480. Disease mechanism: loss of function.

Allele frequency attached by ClinVar (database versions not stated): TOPMed below 0.00001.
gnomAD v4.1: 1 of 1,613,458 alleles (0.000062%); highest among the groups gnomAD compares: East Asian, 0.0022%; no homozygotes.

Submissions (2):

Ambry Genetics
Classification: Uncertain significance for Hereditary cancer-predisposing syndrome. Last evaluated: 2024-09-26. Review status: criteria provided, single submitter. Criteria: Ambry Variant Classification Scheme 2023. Collection method: clinical testing. Allele origin: germline.
Comment: The p.L842V variant (also known as c.2524C>G), located in coding exon 17 of the BRIP1 gene, results from a C to G substitution at nucleotide position 2524. The leucine at codon 842 is replaced by valine, an amino acid with highly similar properties. This amino acid position is highly conserved in available vertebrate species. In addition, the in silico prediction for this alteration is inconclusive. Since supporting evidence is limited at this time, the clinical significance of this alteration remains unclear.

Labcorp Genetics (formerly Invitae), Labcorp
Classification: Uncertain significance for Familial cancer of breast; Fanconi anemia complementation group J. Last evaluated: 2022-11-03. Review status: criteria provided, single submitter. Criteria: Invitae Variant Classification Sherloc (09022015). Collection method: clinical testing. Allele origin: germline.
Comment: This sequence change replaces leucine, which is neutral and non-polar, with valine, which is neutral and non-polar, at codon 842 of the BRIP1 protein (p.Leu842Val). This variant is not present in population databases (gnomAD no frequency). This variant has not been reported in the literature in individuals affected with BRIP1-related conditions. ClinVar contains an entry for this variant (Variation ID: 232847). Advanced modeling of protein sequence and biophysical properties (such as structural, functional, and spatial information, amino acid conservation, physicochemical variation, residue mobility, and thermodynamic stability) performed at Invitae indicates that this missense variant is expected to disrupt BRIP1 protein function. In summary, the available evidence is currently insufficient to determine the role of this variant in disease. Therefore, it has been classified as a Variant of Uncertain Significance.